The following is an entry in ClinVar:

NM_000466.3(PEX1):c.3122C>T (p.Ser1041Phe)

Genes: GATAD1 (GATA zinc finger domain containing 1; plus strand), PEX1 (peroxisomal biogenesis factor 1; minus strand). Cytogenetic location: 7q21.2.
Variant type: single nucleotide variant.
Coding change: c.3122C>T on transcript NM_000466.3 (MANE Select); coding-DNA position 3122, C replaced by T.
Protein change: p.Ser1041Phe; replaces serine 1041 with phenylalanine.
Molecular consequence: missense variant.
Genome position (GRCh38, 1-based): chr7:92,493,038, G>A on the plus strand (C>T on the coding strand, the complement: PEX1 is on the minus strand). VCF-style: chr7-92493038-G-A. GRCh37 (hg19) VCF-style: chr7-92122352-G-A.
Other names: c.2951C>T, p.Ser984Phe (NM_001282677.2); c.2498C>T, p.Ser833Phe (NM_001282678.2); short protein forms S984F, S1041F, S833F.
Identifiers: ClinVar variation 1944943 (VCV001944943.5), dbSNP rs1791432462, ClinGen allele CA368166560.

ClinVar aggregate classification (germline): Uncertain significance (1 of 4 stars; one submission).

Conditions:
Zellweger spectrum disorders (ZS). Also called: Zellweger Spectrum Disorder; Zellweger Spectrum; Zellweger Spectrum Disorder (ZSD); Zellweger syndrome. Identifiers: Orphanet 912, MedGen C0043459, MONDO:0019609.

Submission:

Labcorp Genetics (formerly Invitae), Labcorp
Classification: Uncertain significance for Zellweger spectrum disorders. Last evaluated: 2022-08-16. Review status: criteria provided, single submitter. Criteria: Invitae Variant Classification Sherloc (09022015). Collection method: clinical testing. Allele origin: germline.
Comment: In summary, the available evidence is currently insufficient to determine the role of this variant in disease. Therefore, it has been classified as a Variant of Uncertain Significance. Advanced modeling of protein sequence and biophysical properties (such as structural, functional, and spatial information, amino acid conservation, physicochemical variation, residue mobility, and thermodynamic stability) performed at Invitae indicates that this missense variant is not expected to disrupt PEX1 protein function. This variant has not been reported in the literature in individuals affected with PEX1-related conditions. This variant is not present in population databases (gnomAD no frequency). This sequence change replaces serine, which is neutral and polar, with phenylalanine, which is neutral and non-polar, at codon 1041 of the PEX1 protein (p.Ser1041Phe).